The following is an entry in ClinVar:

ClinVar aggregate classification (germline): Uncertain significance. Review status: criteria provided, multiple submitters, no conflicts (2 of 4 stars). 2 submissions from 2 submitters: Uncertain significance (2). Last evaluated 2025-10-17.

Conditions:
Hereditary cancer-predisposing syndrome. Also called: Hereditary Cancer Syndrome; Tumor predisposition; Neoplastic Syndromes, Hereditary; Hereditary neoplastic syndrome. Identifiers: Orphanet 140162, MedGen C0027672, MeSH D009386, MONDO:0015356.
Gastrointestinal stromal tumor. Also called: Gastrointestinal stromal tumor, somatic; Gastrointestinal stroma tumor. Identifiers: Orphanet 44890, MedGen C0238198, MeSH D046152, MONDO:0011719, OMIM 606764, HP:0100723.

Allele frequency attached by ClinVar (database versions not stated): gnomAD exomes below 0.00001; TOPMed below 0.00001; gnomAD 0.00002.
gnomAD v4.1: 4 of 1,585,680 alleles (0.00025%); highest among the groups gnomAD compares: Admixed American, 0.0067%; no homozygotes.

Submissions (2):

Labcorp Genetics (formerly Invitae), Labcorp
Classification: Uncertain significance for Gastrointestinal stromal tumor. Last evaluated: 2025-10-17. Review status: criteria provided, single submitter. Criteria: Invitae Variant Classification Sherloc (09022015). Collection method: clinical testing. Allele origin: germline.
Comment: This sequence change affects codon 667 of the PDGFRA mRNA. It is a 'silent' change, meaning that it does not change the encoded amino acid sequence of the PDGFRA protein. It affects a nucleotide within the consensus splice site. This variant is not present in population databases (gnomAD no frequency). This variant has not been reported in the literature in individuals affected with PDGFRA-related conditions. ClinVar contains an entry for this variant (Variation ID: 573639). Algorithms developed to predict the effect of sequence changes on RNA splicing suggest that this variant may disrupt the consensus splice site. In summary, the available evidence is currently insufficient to determine the role of this variant in disease. Therefore, it has been classified as a Variant of Uncertain Significance.

Ambry Genetics
Classification: Uncertain significance for Hereditary cancer-predisposing syndrome. Last evaluated: 2025-03-11. Review status: criteria provided, single submitter. Criteria: Ambry Variant Classification Scheme 2023. Collection method: clinical testing. Allele origin: germline.
Comment: The c.2001A>G variant (also known as p.S667S), located in coding exon 13 of the PDGFRA gene, results from an A to G substitution at nucleotide position 2001. This nucleotide substitution does not change the serine at codon 667. This nucleotide position is highly conserved in available vertebrate species. In silico splice site analysis predicts that this alteration may weaken the native splice donor site. Based on the available evidence, the clinical significance of this variant remains unclear.

NM_006206.6(PDGFRA):c.2001A>G (p.Ser667=)

Gene: PDGFRA (platelet derived growth factor receptor alpha; plus strand). Cytogenetic location: 4q12.
Variant type: single nucleotide variant.
Coding change: c.2001A>G on transcript NM_006206.6 (MANE Select); coding-DNA position 2001, A replaced by G.
Protein change: p.Ser667=; no amino-acid change (serine 667 retained).
Molecular consequence: synonymous variant.
Genome position (GRCh38, 1-based): chr4:54,278,005, A>G. VCF-style: chr4-54278005-A-G. GRCh37 (hg19) VCF-style: chr4-55144172-A-G.
Other names: c.2001A>G, p.Ser667= (NM_001347827.2, NM_001347829.2); c.2076A>G, p.Ser692= (NM_001347828.2); c.2040A>G, p.Ser680= (NM_001347830.2).
Identifiers: ClinVar variation 573639 (VCV000573639.8), dbSNP rs1560483194, ClinGen allele CA439287442.
Genomic context (GRCh38, chr4:54,278,005, plus strand): 5'-AATGACTCACCTGGGGCCACATTTGAACATTGTAAACTTGCTGGGAGCCTGCACCAAGTC[A>G]GGTGGGCTCACTGACCTGGAGTGAGGATTTTCACTGGACACATGTGGTTGTGAAAACTGT-3'
Protein context (NP_006197.1, residues 657-677): IVNLLGACTK[Ser667=]GPIYIITEYC